The following is an entry in ClinVar:

NM_005802.5(TOPORS):c.2644C>T (p.His882Tyr)

Gene: TOPORS (TOP1 binding arginine/serine rich protein, E3 ubiquitin ligase; minus strand). Cytogenetic location: 9p21.1.
Variant type: single nucleotide variant.
Coding change: c.2644C>T on transcript NM_005802.5 (MANE Select); coding-DNA position 2644, C replaced by T.
Protein change: p.His882Tyr; replaces histidine 882 with tyrosine.
Molecular consequence: missense variant.
Genome position (GRCh38, 1-based): chr9:32,541,881, G>A on the plus strand (C>T on the coding strand, the complement: TOPORS is on the minus strand). VCF-style: chr9-32541881-G-A. GRCh37 (hg19) VCF-style: chr9-32541879-G-A.
Other names: c.2449C>T, p.His817Tyr (NM_001195622.2); short protein forms H817Y, H882Y.
Identifiers: ClinVar variation 2114605 (VCV002114605.4), dbSNP rs2489445925, ClinGen allele CA373162229.

ClinVar aggregate classification (germline): Uncertain significance (1 of 4 stars; one submission).

Allele frequency attached by ClinVar (database versions not stated): gnomAD exomes below 0.00001.
gnomAD v4.1: 1 of 1,613,908 alleles (0.000062%); highest among the groups gnomAD compares: Non-Finnish European, 0.000085%; no homozygotes.

Submission:

Labcorp Genetics (formerly Invitae), Labcorp
Classification: Uncertain significance. Last evaluated: 2022-03-19. Review status: criteria provided, single submitter. Criteria: Invitae Variant Classification Sherloc (09022015). Collection method: clinical testing. Allele origin: germline.
Comment: This sequence change replaces histidine, which is basic and polar, with tyrosine, which is neutral and polar, at codon 882 of the TOPORS protein (p.His882Tyr). This variant is not present in population databases (gnomAD no frequency). This variant has not been reported in the literature in individuals affected with TOPORS-related conditions. Algorithms developed to predict the effect of missense changes on protein structure and function are either unavailable or do not agree on the potential impact of this missense change (SIFT: "Tolerated"; PolyPhen-2: "Not Available"; Align-GVGD: "Class C0"). In summary, the available evidence is currently insufficient to determine the role of this variant in disease. Therefore, it has been classified as a Variant of Uncertain Significance.